The following is an entry in ClinVar:

NM_002528.7(NTHL1):c.14G>A (p.Ser5Asn)

Gene: NTHL1 (nth like DNA glycosylase 1; minus strand). Cytogenetic location: 16p13.3.
Variant type: single nucleotide variant.
Coding change: c.14G>A on transcript NM_002528.7 (MANE Select); coding-DNA position 14, G replaced by A.
Protein change: p.Ser5Asn; replaces serine 5 with asparagine.
Molecular consequence: missense variant. On other transcripts: 5 prime UTR variant (1).
Genome position (GRCh38, 1-based): chr16:2,047,810, C>T on the plus strand (G>A on the coding strand, the complement: NTHL1 is on the minus strand). VCF-style: chr16-2047810-C-T. GRCh37 (hg19) VCF-style: chr16-2097811-C-T.
Other names: c.14G>A, p.Ser5Asn (NM_001318193.2); c.-165G>A (NM_001318194.2); short protein forms S5N.
Identifiers: ClinVar variation 851816 (VCV000851816.10), dbSNP rs750166500, ClinGen allele CA027717.

ClinVar aggregate classification (germline): Uncertain significance. Review status: criteria provided, multiple submitters, no conflicts (2 of 4 stars). 2 submissions from 2 submitters: Uncertain significance (2). Last evaluated 2025-10-07.

Conditions:
Hereditary cancer-predisposing syndrome. Also called: Neoplastic Syndromes, Hereditary; Hereditary Cancer Syndrome; Tumor predisposition; Hereditary neoplastic syndrome. Identifiers: Orphanet 140162, MedGen C0027672, MeSH D009386, MONDO:0015356.

Allele frequency attached by ClinVar (database versions not stated): gnomAD exomes 0.00001; ExAC 0.00002.

Submissions (2):

Labcorp Genetics (formerly Invitae), Labcorp
Classification: Uncertain significance. Last evaluated: 2025-10-07. Review status: criteria provided, single submitter. Criteria: Invitae Variant Classification Sherloc (09022015). Collection method: clinical testing. Allele origin: germline.
Comment: This sequence change replaces serine, which is neutral and polar, with asparagine, which is neutral and polar, at codon 13 of the NTHL1 protein (p.Ser13Asn). The frequency data for this variant in the population databases is considered unreliable, as metrics indicate poor data quality at this position in the gnomAD database. This variant has not been reported in the literature in individuals affected with NTHL1-related conditions. ClinVar contains an entry for this variant (Variation ID: 851816). An algorithm developed to predict the effect of missense changes on protein structure and function (PolyPhen-2) suggests that this variant is likely to be tolerated. In summary, the available evidence is currently insufficient to determine the role of this variant in disease. Therefore, it has been classified as a Variant of Uncertain Significance.

Ambry Genetics
Classification: Uncertain significance for Hereditary cancer-predisposing syndrome. Last evaluated: 2025-07-13. Review status: criteria provided, single submitter. Criteria: Ambry Variant Classification Scheme 2023. Collection method: clinical testing. Allele origin: germline.
Comment: The p.S13N variant (also known as c.38G>A), located in coding exon 1 of the NTHL1 gene, results from a G to A substitution at nucleotide position 38. The serine at codon 13 is replaced by asparagine, an amino acid with highly similar properties. This amino acid position is poorly conserved in available vertebrate species. In addition, this alteration is predicted to be tolerated by in silico analysis. Since supporting evidence is limited at this time, the clinical significance of this alteration remains unclear.